The following is an entry in ClinVar:

NM_000465.4(BARD1):c.352A>C (p.Asn118His)

Gene: BARD1 (BRCA1 associated RING domain 1; minus strand). Cytogenetic location: 2q35.
Variant type: single nucleotide variant.
Coding change: c.352A>C on transcript NM_000465.4 (MANE Select); coding-DNA position 352, A replaced by C.
Protein change: p.Asn118His; replaces asparagine 118 with histidine.
Molecular consequence: missense variant. On other transcripts: non-coding transcript variant (1), intron variant (2).
Genome position (GRCh38, 1-based): chr2:214,792,309, T>G on the plus strand (A>C on the coding strand, the complement: BARD1 is on the minus strand). VCF-style: chr2-214792309-T-G. GRCh37 (hg19) VCF-style: chr2-215657033-T-G.
Other names: c.295A>C, p.Asn99His (NM_001282543.2); c.352A>C, p.Asn118His (NM_001282549.2); c.158+17103A>C (NM_001282548.2); c.215+4752A>C (NM_001282545.2); short protein forms N118H, N99H.
Identifiers: ClinVar variation 1732335 (VCV001732335.8), dbSNP rs749473441, ClinGen allele CA2090450.

ClinVar aggregate classification (germline): Conflicting classifications of pathogenicity. Review status: criteria provided, conflicting classifications (1 of 4 stars). 2 submissions from 2 submitters: Uncertain significance (1); Likely benign (1). Last evaluated 2025-01-06.

Conditions:
Hereditary cancer-predisposing syndrome. Also called: Neoplastic Syndromes, Hereditary; Tumor predisposition; Hereditary Cancer Syndrome; Hereditary neoplastic syndrome. Identifiers: Orphanet 140162, MedGen C0027672, MeSH D009386, MONDO:0015356.
Familial cancer of breast. Also called: BREAST CANCER, FAMILIAL; Hereditary breast cancer; hereditary breast carcinoma. Identifiers: Orphanet 227535, MedGen C0346153, MONDO:0016419, OMIM 114480. Disease mechanism: loss of function.

Allele frequency attached by ClinVar (database versions not stated): ExAC 0.00002.
gnomAD v4.1: 4 of 1,613,480 alleles (0.00025%); highest among the groups gnomAD compares: South Asian, 0.0022%; no homozygotes.

Submissions (2):

Labcorp Genetics (formerly Invitae), Labcorp
Classification: Uncertain significance for Familial cancer of breast. Last evaluated: 2025-01-06. Review status: criteria provided, single submitter. Criteria: Invitae Variant Classification Sherloc (09022015). Collection method: clinical testing. Allele origin: germline.
Comment: This sequence change replaces asparagine, which is neutral and polar, with histidine, which is basic and polar, at codon 118 of the BARD1 protein (p.Asn118His). This variant is present in population databases (rs749473441, gnomAD 0.003%). This variant has not been reported in the literature in individuals affected with BARD1-related conditions. ClinVar contains an entry for this variant (Variation ID: 1732335). An algorithm developed to predict the effect of missense changes on protein structure and function outputs the following: PolyPhen-2: "Benign". The histidine amino acid residue is found in multiple mammalian species, which suggests that this missense change does not adversely affect protein function. In summary, the available evidence is currently insufficient to determine the role of this variant in disease. Therefore, it has been classified as a Variant of Uncertain Significance.

Ambry Genetics
Classification: Likely benign for Hereditary cancer-predisposing syndrome. Last evaluated: 2024-02-26. Review status: criteria provided, single submitter. Criteria: Ambry Variant Classification Scheme 2023. Collection method: clinical testing. Allele origin: germline.